The following is an entry in ClinVar:

NM_002887.4(RARS1):c.531TCT[1] (p.Leu179del)

Gene: RARS1 (arginyl-tRNA synthetase 1; plus strand). Cytogenetic location: 5q34.
Variant type: Microsatellite.
Coding change: c.531TCT[1] on transcript NM_002887.4 (MANE Select); one copy of the 3-base unit TCT starting at c.531; the reference has two copies in a row; one copy, 3 bases deleted.
Protein change: p.Leu179del; deletes leucine 179.
Molecular consequence: inframe deletion.
Genome position (GRCh38, 1-based): chr5:168,494,605-168,494,607, TCT deleted; deleting any 3 consecutive bases within chr5:168,494,602-168,494,607 gives the same sequence; the position shown is the placement nearest the transcript's 3' end. VCF-style (leftmost placement, unchanged base first): chr5-168494601-GTCT-G. GRCh37 (hg19) VCF-style: chr5-167921606-GTCT-G.
Other names: short protein forms L179del.
Identifiers: ClinVar variation 2082104 (VCV002082104.4), dbSNP rs2533365547, ClinGen allele CA2580614794.
Genomic context (GRCh38, chr5:168,494,601, plus strand): 5'-ATCCATTAGGTTTTATTAATGTCCACTTAAGAAAGGATTTTGTATCAGAACAATTGACCA[GTCT>G]TCTAGTGAATGGAGTTCAACTACCTGCTCTGGGAGAGAATAAAAAGGTATATGTACACTC-3'

ClinVar aggregate classification (germline): Uncertain significance (1 of 4 stars; one submission).

Submission:

Labcorp Genetics (formerly Invitae), Labcorp
Classification: Uncertain significance. Last evaluated: 2022-08-23. Review status: criteria provided, single submitter. Criteria: Invitae Variant Classification Sherloc (09022015). Collection method: clinical testing. Allele origin: germline.
Comment: This variant, c.534_536del, results in the deletion of 1 amino acid(s) of the RARS protein (p.Leu179del), but otherwise preserves the integrity of the reading frame. This variant is not present in population databases (gnomAD no frequency). This variant has not been reported in the literature in individuals affected with RARS-related conditions. Experimental studies and prediction algorithms are not available or were not evaluated, and the functional significance of this variant is currently unknown. In summary, the available evidence is currently insufficient to determine the role of this variant in disease. Therefore, it has been classified as a Variant of Uncertain Significance.